The following is an entry in ClinVar:

ClinVar aggregate classification (germline): Uncertain significance. Review status: criteria provided, multiple submitters, no conflicts (2 of 4 stars). 4 submissions from 4 submitters: Uncertain significance (4). Last evaluated 2025-09-28.

Conditions:
Aortic aneurysm, familial thoracic 4 (AAT4). Also called: AORTIC ANEURYSM/AORTIC DISSECTION AND PATENT DUCTUS ARTERIOSUS. Identifiers: MedGen C1851504, MONDO:0007568, OMIM 132900.
Familial thoracic aortic aneurysm and aortic dissection (TAAD). Also called: Thoracic aortic aneurysms and dissections. Identifiers: Orphanet 91387, MedGen C4707243, MONDO:0019625.

Allele frequency attached by ClinVar (database versions not stated): gnomAD exomes below 0.00001.
gnomAD v4.1: 1 of 1,614,132 alleles (0.000062%); highest among the groups gnomAD compares: Non-Finnish European, 0.000085%; no homozygotes.

Submissions (4):

Labcorp Genetics (formerly Invitae), Labcorp
Classification: Uncertain significance for Aortic aneurysm, familial thoracic 4. Last evaluated: 2025-09-28. Review status: criteria provided, single submitter. Criteria: Invitae Variant Classification Sherloc (09022015). Collection method: clinical testing. Allele origin: germline.
Comment: This sequence change replaces methionine, which is neutral and non-polar, with arginine, which is basic and polar, at codon 861 of the MYH11 protein (p.Met861Arg). This variant is not present in population databases (gnomAD no frequency). This variant has not been reported in the literature in individuals affected with MYH11-related conditions. ClinVar contains an entry for this variant (Variation ID: 918447). Invitae Evidence Modeling of protein sequence and biophysical properties (such as structural, functional, and spatial information, amino acid conservation, physicochemical variation, residue mobility, and thermodynamic stability) indicates that this missense variant is not expected to disrupt MYH11 protein function with a negative predictive value of 95%. In summary, the available evidence is currently insufficient to determine the role of this variant in disease. Therefore, it has been classified as a Variant of Uncertain Significance.

Color Diagnostics, LLC DBA Color Health
Classification: Uncertain significance for Familial thoracic aortic aneurysm and aortic dissection. Last evaluated: 2024-03-07. Review status: criteria provided, single submitter. Criteria: ACMG Guidelines, 2015. Collection method: clinical testing. Allele origin: germline.
Comment: This missense variant replaces methionine with arginine at codon 861 of the MYH11 protein. Computational prediction suggests that this variant may have deleterious impact on protein structure and function (internally defined REVEL score threshold >= 0.7, PMID: 27666373). To our knowledge, functional studies have not been reported for this variant. This variant has not been reported in individuals affected with MYH11-related disorders in the literature. This variant has not been identified in the general population by the Genome Aggregation Database (gnomAD). The available evidence is insufficient to determine the role of this variant in disease conclusively. Therefore, this variant is classified as a Variant of Uncertain Significance.

All of Us Research Program, National Institutes of Health
Classification: Uncertain significance for Familial thoracic aortic aneurysm and aortic dissection. Last evaluated: 2023-09-17. Review status: criteria provided, single submitter. Criteria: ACMG Guidelines, 2015. Collection method: clinical testing. Allele origin: germline. Inheritance: Autosomal dominant inheritance. Observed: 1 variant allele, 1 heterozygote.
Comment: This missense variant replaces methionine with arginine at codon 861 of the MYH11 protein. Computational prediction tool suggests that this variant may have deleterious impact on protein structure and function (internally defined REVEL score threshold >=0.7, PMID: 27666373). Splice site prediction tools suggest that this variant may not impact RNA splicing. To our knowledge, functional studies have not been performed for this variant. This variant has not been reported in individuals affected with cardiovascular disorders in the literature. This variant has not been identified in the general population by the Genome Aggregation Database (gnomAD). The available evidence is insufficient to determine the role of this variant in disease conclusively. Therefore, this variant is classified as a Variant of Uncertain Significance.

This study involves interpretation of variants in research participants for the purpose of population health screening. Participant phenotype was not available at the time of variant classification. Additional details can be found in publication PMID: 35346344, PMCID: PMC8962531

Ambry Genetics
Classification: Uncertain significance for Familial thoracic aortic aneurysm and aortic dissection. Last evaluated: 2018-11-07. Review status: criteria provided, single submitter. Criteria: Ambry Variant Classification Scheme 2023. Collection method: clinical testing. Allele origin: germline.
Comment: The p.M854R variant (also known as c.2561T>G), located in coding exon 20 of the MYH11 gene, results from a T to G substitution at nucleotide position 2561. The methionine at codon 854 is replaced by arginine, an amino acid with similar properties. This amino acid position is well conserved in available vertebrate species. In addition, this alteration is predicted to be deleterious by in silico analysis. Since supporting evidence is limited at this time, the clinical significance of this alteration remains unclear.

NM_002474.3(MYH11):c.2561T>G (p.Met854Arg)

Gene: MYH11 (myosin heavy chain 11; minus strand). Cytogenetic location: 16p13.11.
Variant type: single nucleotide variant.
Coding change: c.2561T>G on transcript NM_002474.3 (MANE Select); coding-DNA position 2561, T replaced by G.
Protein change: p.Met854Arg; replaces methionine 854 with arginine.
Molecular consequence: missense variant.
Genome position (GRCh38, 1-based): chr16:15,741,851, A>C on the plus strand (T>G on the coding strand, the complement: MYH11 is on the minus strand). VCF-style: chr16-15741851-A-C. GRCh37 (hg19) VCF-style: chr16-15835708-A-C.
Other names: c.2582T>G, p.Met861Arg (NM_001040113.2, NM_001040114.2); c.2561T>G, p.Met854Arg (NM_022844.3); short protein forms M854R, M861R.
Identifiers: ClinVar variation 918447 (VCV000918447.11), dbSNP rs2041283522, ClinGen allele CA394866458.
Genomic context (GRCh38, chr16:15,741,851, plus strand): 5'-TCATTCTCTGCCTTCTGCTGCCGCTCCTTGGTCTTCTGCAGTTCATCCTCCTTGGCCTGC[A>C]TCTCCTCCTCCTGCCGTGTCACCTGCAGCAGTGGCTTCACCTGCACACACACGGTTAGCC-3'
Protein context (NP_002465.1, residues 844-864): LLQVTRQEEE[Met854Arg]QAKEDELQKT